The following is an entry in ClinVar:

NM_005654.6(NR2F1):c.1149del (p.Val384fs)

Gene: NR2F1 (nuclear receptor subfamily 2 group F member 1; plus strand). Cytogenetic location: 5q15.
Variant type: Deletion.
Coding change: c.1149del on transcript NM_005654.6 (MANE Select); coding-DNA position 1149, one base deleted (C; older notation c.1149delC).
Protein change: p.Val384fs; shifts the reading frame from valine 384.
Molecular consequence: frameshift variant.
Genome position (GRCh38, 1-based): chr5:93,593,719, C deleted; the last of 2 consecutive C bases (chr5:93,593,718-93,593,719); deleting either gives the same sequence. VCF-style (leftmost placement, unchanged base first): chr5-93593717-TC-T. GRCh37 (hg19) VCF-style: chr5-92929423-TC-T.
Other names: c.699del, p.Val234fs (NM_001410754.1); short protein forms V234fs, V384fs.
Identifiers: ClinVar variation 3253139 (VCV003253139.1), dbSNP rs2480817945.

ClinVar aggregate classification (germline): Likely pathogenic (1 of 4 stars; one submission).

Submission:

GeneDx
Classification: Likely pathogenic. Last evaluated: 2023-11-07. Review status: criteria provided, single submitter. Criteria: GeneDx Variant Classification Process June 2021. Collection method: clinical testing. Allele origin: germline. Affected: yes.
Comment: Frameshift variant predicted to result in abnormal protein length as the last 40 amino acids are replaced with 10 different amino acids, and other similar variants have been reported in HGMD; Not observed at significant frequency in large population cohorts (gnomAD); Has not been previously published as pathogenic or benign to our knowledge